The following is an entry in ClinVar:

ClinVar aggregate classification (germline): Uncertain significance. Review status: criteria provided, multiple submitters, no conflicts (2 of 4 stars). 2 submissions from 2 submitters: Uncertain significance (2). Last evaluated 2025-05-27.

Conditions:
Arrhythmogenic right ventricular dysplasia 13. Also called: Arrhythmogenic right ventricular dysplasia, familial, 13; ARRHYTHMOGENIC RIGHT VENTRICULAR CARDIOMYOPATHY 13. Identifiers: MedGen C3810138, MONDO:0000908, OMIM 615616.

Allele frequency attached by ClinVar (database versions not stated): gnomAD 0.00001; ExAC 0.00002; ESP Exome Variant Server 0.00008.
gnomAD v4.1: 10 of 1,609,562 alleles (0.00062%); highest among the groups gnomAD compares: Admixed American, 0.0017%; no homozygotes.

Submissions (2):

Labcorp Genetics (formerly Invitae), Labcorp
Classification: Uncertain significance for Arrhythmogenic right ventricular dysplasia 13. Last evaluated: 2025-05-27. Review status: criteria provided, single submitter. Criteria: Invitae Variant Classification Sherloc (09022015). Collection method: clinical testing. Allele origin: germline.
Comment: This sequence change replaces valine, which is neutral and non-polar, with isoleucine, which is neutral and non-polar, at codon 497 of the CTNNA3 protein (p.Val497Ile). This variant is present in population databases (rs368067642, gnomAD 0.003%). This variant has not been reported in the literature in individuals affected with CTNNA3-related conditions. ClinVar contains an entry for this variant (Variation ID: 2142771). Invitae Evidence Modeling of protein sequence and biophysical properties (such as structural, functional, and spatial information, amino acid conservation, physicochemical variation, residue mobility, and thermodynamic stability) indicates that this missense variant is not expected to disrupt CTNNA3 protein function with a negative predictive value of 80%. In summary, the available evidence is currently insufficient to determine the role of this variant in disease. Therefore, it has been classified as a Variant of Uncertain Significance.

Ambry Genetics
Classification: Uncertain significance. Last evaluated: 2023-05-30. Review status: criteria provided, single submitter. Criteria: Ambry Variant Classification Scheme 2023. Collection method: clinical testing. Allele origin: germline.
Comment: The p.V497I variant (also known as c.1489G>A), located in coding exon 10 of the CTNNA3 gene, results from a G to A substitution at nucleotide position 1489. The valine at codon 497 is replaced by isoleucine, an amino acid with highly similar properties. This amino acid position is conserved. In addition, this alteration is predicted to be tolerated by in silico analysis. Since supporting evidence is limited at this time, the clinical significance of this alteration remains unclear.

NM_013266.4(CTNNA3):c.1489G>A (p.Val497Ile)

Gene: CTNNA3 (catenin alpha 3; minus strand). Cytogenetic location: 10q21.3.
Variant type: single nucleotide variant.
Coding change: c.1489G>A on transcript NM_013266.4 (MANE Select); coding-DNA position 1489, G replaced by A.
Protein change: p.Val497Ile; replaces valine 497 with isoleucine.
Molecular consequence: missense variant.
Genome position (GRCh38, 1-based): chr10:66,520,659, C>T on the plus strand (G>A on the coding strand, the complement: CTNNA3 is on the minus strand). VCF-style: chr10-66520659-C-T. GRCh37 (hg19) VCF-style: chr10-68280417-C-T.
Other names: c.1489G>A (NM_013266.2); c.1489G>A, p.Val497Ile (NM_001127384.3); short protein forms V497I.
Identifiers: ClinVar variation 2142771 (VCV002142771.6), dbSNP rs368067642, ClinGen allele CA5519937.
Genomic context (GRCh38, chr10:66,520,659, plus strand): 5'-AAAAGAATAAAAACATACCAGATACAGCAAGGAAGTCATCAATGCTTGTAATGTCATCTA[C>T]GGCTTCAGTGAGGACATGTATATGATTCTCCCATGTACGCTTGTACATTTCCATGGTGTT-3'
Protein context (NP_037398.2, residues 487-507): ENHIHVLTEA[Val497Ile]DDITSIDDFL